The following is an entry in ClinVar:

NM_001130438.3(SPTAN1):c.785+12G>C

Gene: SPTAN1 (spectrin alpha, non-erythrocytic 1; plus strand). Cytogenetic location: 9q34.11.
Variant type: single nucleotide variant.
Coding change: c.785+12G>C on transcript NM_001130438.3 (MANE Select); 12 bases into the intron after coding-DNA position 785, G replaced by C.
Molecular consequence: intron variant.
Genome position (GRCh38, 1-based): chr9:128,576,968, G>C. VCF-style: chr9-128576968-G-C. GRCh37 (hg19) VCF-style: chr9-131339247-G-C.
Other names: c.785+12G>C (NM_001363759.2, NM_003127.4, NM_001363765.2 and 1 more transcripts).
Identifiers: ClinVar variation 516694 (VCV000516694.5), dbSNP rs774982401, ClinGen allele CA5264249.

ClinVar aggregate classification (germline): Likely benign. Review status: criteria provided, multiple submitters, no conflicts (2 of 4 stars). 2 submissions from 2 submitters: Likely benign (2). Last evaluated 2025-11-24.

Conditions:
Early-infantile DEE. Also called: Early infantile epileptic encephalopathy; Ohtahara syndrome; Early infantile epileptic encephalopathy with suppression bursts. Identifiers: Orphanet 1934, MedGen C0393706, MONDO:0800491.

Allele frequency attached by ClinVar (database versions not stated): gnomAD exomes below 0.00001 and 0.00001; ExAC 0.00001; gnomAD 0.00001; TOPMed 0.00002.
gnomAD v4.1: 10 of 1,613,988 alleles (0.00062%); highest among the groups gnomAD compares: Non-Finnish European, 0.00085%; no homozygotes.

Submissions (2):

Labcorp Genetics (formerly Invitae), Labcorp
Classification: Likely benign for Early-infantile DEE. Last evaluated: 2025-11-24. Review status: criteria provided, single submitter. Criteria: Invitae Variant Classification Sherloc (09022015). Collection method: clinical testing. Allele origin: germline.

GeneDx
Classification: Likely benign. Last evaluated: 2017-11-27. Review status: criteria provided, single submitter. Criteria: GeneDx Variant Classification (06012015). Collection method: clinical testing. Allele origin: germline. Affected: yes.
Comment: This variant is considered likely benign or benign based on one or more of the following criteria: it is a conservative change, it occurs at a poorly conserved position in the protein, it is predicted to be benign by multiple in silico algorithms, and/or has population frequency not consistent with disease.